The following is an entry in ClinVar:

NM_144997.7(FLCN):c.44G>T (p.Gly15Val)

Gene: FLCN (folliculin; minus strand). Cytogenetic location: 17p11.2.
Variant type: single nucleotide variant.
Coding change: c.44G>T on transcript NM_144997.7 (MANE Select); coding-DNA position 44, G replaced by T.
Protein change: p.Gly15Val; replaces glycine 15 with valine.
Molecular consequence: missense variant.
Genome position (GRCh38, 1-based): chr17:17,228,094, C>A on the plus strand (G>T on the coding strand, the complement: FLCN is on the minus strand). VCF-style: chr17-17228094-C-A. GRCh37 (hg19) VCF-style: chr17-17131408-C-A.
Other names: c.44G>T, p.Gly15Val (NM_001353229.2, NM_001353230.2, NM_001353231.2 and 1 more transcripts); short protein forms G15V.
Identifiers: ClinVar variation 2803549 (VCV002803549.4), dbSNP rs2145050049, ClinGen allele CA398535440.

ClinVar aggregate classification (germline): Uncertain significance. Review status: criteria provided, multiple submitters, no conflicts (2 of 4 stars). 2 submissions from 2 submitters: Uncertain significance (2). Last evaluated 2026-07-13.

Conditions:
Nonpapillary renal cell carcinoma. Identifiers: Orphanet 422526, MedGen CN074294, MONDO:0007763, OMIM 144700.
Birt-Hogg-Dube syndrome. Also called: Birt Hogg Dubé syndrome. Identifiers: Orphanet 122, MedGen C0346010, MONDO:0800444.

Submissions (2):

Clinical Genetics Laboratory, Skane University Hospital Lund
Classification: Uncertain significance for Nonpapillary renal cell carcinoma. Last evaluated: 2026-07-13. Review status: criteria provided, single submitter. Criteria: ACMG Guidelines, 2015. Collection method: clinical testing. Allele origin: germline. Affected: yes.
Comment: FLCN (NM_144997.7) c.44G>T, p.(Gly15Val) represents a nucleotide substitution in exon 4 of 14, resulting in an amino acid substitution which is predicted to be deleterious to protein function. The FLCN c.44G>T, p.(Gly15Val) variant has not been identified in the general population and is reported as a variant of uncertain significance (VUS) in the ClinVar database (Accession: VCV002803549.3). The variant has been classified as a VUS according to the following ACMG criteria: PM2 and PP3.

Labcorp Genetics (formerly Invitae), Labcorp
Classification: Uncertain significance for Birt-Hogg-Dube syndrome. Last evaluated: 2025-07-31. Review status: criteria provided, single submitter. Criteria: Invitae Variant Classification Sherloc (09022015). Collection method: clinical testing. Allele origin: germline.
Comment: This sequence change replaces glycine, which is neutral and non-polar, with valine, which is neutral and non-polar, at codon 15 of the FLCN protein (p.Gly15Val). This variant is not present in population databases (gnomAD no frequency). This variant has not been reported in the literature in individuals affected with FLCN-related conditions. ClinVar contains an entry for this variant (Variation ID: 2803549). Invitae Evidence Modeling of protein sequence and biophysical properties (such as structural, functional, and spatial information, amino acid conservation, physicochemical variation, residue mobility, and thermodynamic stability) indicates that this missense variant is expected to disrupt FLCN protein function with a positive predictive value of 80%. In summary, the available evidence is currently insufficient to determine the role of this variant in disease. Therefore, it has been classified as a Variant of Uncertain Significance.